The following is an entry in ClinVar:

NM_000722.4(CACNA2D1):c.3077-4_3077-3del

Gene: CACNA2D1 (calcium voltage-gated channel auxiliary subunit alpha2delta 1; minus strand). Cytogenetic location: 7q21.11.
Variant type: Deletion.
Coding change: c.3077-4_3077-3del on transcript NM_000722.4 (MANE Select); 4 bases into the intron before coding-DNA position 3077 through 3 bases into the intron before coding-DNA position 3077, 2 bases deleted (TT; older notation c.3077-4_3077-3delTT).
Molecular consequence: intron variant.
Genome position (GRCh38, 1-based): chr7:81,959,360-81,959,361, AA deleted on the plus strand (TT on the coding strand, the reverse complement: CACNA2D1 is on the minus strand); deleting any 2 consecutive bases within chr7:81,959,360-81,959,363 gives the same sequence; the c. name uses the placement nearest the transcript's 3' end. VCF-style (leftmost placement, unchanged base first): chr7-81959359-TAA-T. GRCh37 (hg19) VCF-style: chr7-81588675-TAA-T.
Other names: c.3113-4_3113-3del (NM_001366867.1); c.3077-4_3077-3del (LRG_437t1).
Identifiers: ClinVar variation 518516 (VCV000518516.9), dbSNP rs773360358, ClinGen allele CA161119807.
Genomic context (GRCh38, chr7:81,959,359, plus strand): 5'-ATCAGGCCCTTTTCGGTATCTGGGTTGCTTAACCATGTCACAAGGATTTGGACCGTCAGC[TAA>T]AAGAGACTTGTTAAGGAATCTCATGTTAGTTTTTTTCACATGATTAAAAATAAATACAAT-3'

ClinVar aggregate classification (germline): Uncertain significance. Review status: criteria provided, multiple submitters, no conflicts (2 of 4 stars). 2 submissions from 2 submitters: Uncertain significance (2). Last evaluated 2025-04-17.

Conditions:
Brugada syndrome. Also called: Sudden unexplained nocturnal death syndrome; Sudden unexpected nocturnal death syndrome; Sudden Unexplained Death Syndrome; Sudden Unexplained Nocturnal Death Syndrome (SUNDS). Identifiers: Orphanet 130, MedGen C1142166, MONDO:0015263.
Cardiovascular phenotype. Identifiers: MedGen CN230736.

Submissions (2):

Labcorp Genetics (formerly Invitae), Labcorp
Classification: Uncertain significance for Brugada syndrome. Last evaluated: 2025-04-17. Review status: criteria provided, single submitter. Criteria: Invitae Variant Classification Sherloc (09022015). Collection method: clinical testing. Allele origin: germline.
Comment: This sequence change falls in intron 37 of the CACNA2D1 gene. It does not directly change the encoded amino acid sequence of the CACNA2D1 protein. This variant is present in population databases (rs773360358, gnomAD no frequency). This variant has not been reported in the literature in individuals affected with CACNA2D1-related conditions. ClinVar contains an entry for this variant (Variation ID: 518516). Algorithms developed to predict the effect of sequence changes on RNA splicing suggest that this variant may disrupt the consensus splice site. In summary, the available evidence is currently insufficient to determine the role of this variant in disease. Therefore, it has been classified as a Variant of Uncertain Significance.

Ambry Genetics
Classification: Uncertain significance for Cardiovascular phenotype. Last evaluated: 2016-05-23. Review status: criteria provided, single submitter. Criteria: Ambry Variant Classification Scheme 2023. Collection method: clinical testing. Allele origin: germline.
Comment: The c.3077-4_3077-3delTT intronic variant, located in intron 37 of the CACNA2D1 gene, results from a deletion of two nucleotides within intron 37 of the CACNA2D1 gene. This variant was previously reported in the SNPDatabase as rs374983815. This variant was not reported in population-based cohorts in the following databases: NHLBI Exome Sequencing Project (ESP) and 1000 Genomes Project. These nucleotide positions range from highly conserved with limited sequence alignment to not well conserved in available vertebrate species. Using the BDGP and ESEfinder splice site prediction tools, this alteration may abolish the native splice acceptor site; however, direct evidence is unavailable. Since supporting evidence is limited at this time, the clinical significance of this variant remains unclear.